The following is an entry in ClinVar:

ClinVar aggregate classification (germline): Uncertain significance (1 of 4 stars; one submission).

Conditions:
BAP1-related tumor predisposition syndrome (TPDS1). Also called: Tumor susceptibility linked to germline BAP1 mutations; BAP1 tumor predisposition syndrome; TUMOR PREDISPOSITION SYNDROME 1; COMMON Syndrome. Identifiers: Orphanet 289539, MedGen C3280492, MONDO:0013692, OMIM 614327.

Submission:

Labcorp Genetics (formerly Invitae), Labcorp
Classification: Uncertain significance for BAP1-related tumor predisposition syndrome. Last evaluated: 2025-07-17. Review status: criteria provided, single submitter. Criteria: Invitae Variant Classification Sherloc (09022015). Collection method: clinical testing. Allele origin: germline.
Comment: This sequence change replaces lysine, which is basic and polar, with glutamic acid, which is acidic and polar, at codon 425 of the BAP1 protein (p.Lys425Glu). This variant is not present in population databases (gnomAD no frequency). This variant has not been reported in the literature in individuals affected with BAP1-related conditions. ClinVar contains an entry for this variant (Variation ID: 3655670). Invitae Evidence Modeling of protein sequence and biophysical properties (such as structural, functional, and spatial information, amino acid conservation, physicochemical variation, residue mobility, and thermodynamic stability) indicates that this missense variant is not expected to disrupt BAP1 protein function with a negative predictive value of 80%. In summary, the available evidence is currently insufficient to determine the role of this variant in disease. Therefore, it has been classified as a Variant of Uncertain Significance.

NM_004656.4(BAP1):c.1273A>G (p.Lys425Glu)

Gene: BAP1 (BRCA1 associated deubiquitinase 1; minus strand). Cytogenetic location: 3p21.1.
Variant type: single nucleotide variant.
Coding change: c.1273A>G on transcript NM_004656.4 (MANE Select); coding-DNA position 1273, A replaced by G.
Protein change: p.Lys425Glu; replaces lysine 425 with glutamic acid.
Molecular consequence: missense variant.
Genome position (GRCh38, 1-based): chr3:52,403,872, T>C on the plus strand (A>G on the coding strand, the complement: BAP1 is on the minus strand). VCF-style: chr3-52403872-T-C. GRCh37 (hg19) VCF-style: chr3-52437888-T-C.
Other names: c.1219A>G, p.Lys407Glu (NM_001410772.1); short protein forms K425E, K407E.
Identifiers: ClinVar variation 3655670 (VCV003655670.2).
Genomic context (GRCh38, chr3:52,403,872, plus strand): 5'-TGGTGTTGGGCTGCAGCACTGACAGTTGCCCATCAGCAGAACCGCTCAATGCCCCTGGCT[T>C]CCCTGTTCCCTTCCCCTTATACCTGTGGGGCCCGAGAAGATGTGAAGCAAGGGAACGGGC-3'
Protein context (NP_004647.1, residues 415-435): ALRYKGKGTG[Lys425Glu]PGALSGSADG